The following is an entry in ClinVar:

ClinVar aggregate classification (germline): Benign (1 of 4 stars; one submission).

Allele frequency attached by ClinVar (database versions not stated): 1000 Genomes Project 30x 0.54872; 1000 Genomes Project 0.55072; TOPMed 0.56392; gnomAD 0.58464 and 0.58575.
gnomAD v4.1: 88,809 of 151,928 alleles (58%); highest among the groups gnomAD compares: South Asian, 65%; 26,314 homozygotes.

Submission:

GeneDx
Classification: Benign. Last evaluated: 2018-06-14. Review status: criteria provided, single submitter. Criteria: GeneDx Variant Classification (06012015). Collection method: clinical testing. Allele origin: germline. Affected: yes.
Comment: This variant is considered likely benign or benign based on one or more of the following criteria: it is a conservative change, it occurs at a poorly conserved position in the protein, it is predicted to be benign by multiple in silico algorithms, and/or has population frequency not consistent with disease.

NM_000255.4(MMUT):c.911+246C>G

Gene: MMUT (methylmalonyl-CoA mutase; minus strand). Cytogenetic location: 6p12.3.
Variant type: single nucleotide variant.
Coding change: c.911+246C>G on transcript NM_000255.4 (MANE Select); 246 bases into the intron after coding-DNA position 911, C replaced by G.
Molecular consequence: intron variant.
Genome position (GRCh38, 1-based): chr6:49,455,834, G>C on the plus strand (C>G on the coding strand, the complement: MMUT is on the minus strand). VCF-style: chr6-49455834-G-C. GRCh37 (hg19) VCF-style: chr6-49423547-G-C.
Identifiers: ClinVar variation 671539 (VCV000671539.1), dbSNP rs6915187, ClinGen allele CA15456832.